The following is an entry in ClinVar:

NM_017617.5(NOTCH1):c.516C>T (p.Gly172=)

Gene: NOTCH1 (notch receptor 1; minus strand). Cytogenetic location: 9q34.3.
Variant type: single nucleotide variant.
Coding change: c.516C>T on transcript NM_017617.5 (MANE Select); coding-DNA position 516, C replaced by T.
Protein change: p.Gly172=; no amino-acid change (glycine 172 retained).
Molecular consequence: synonymous variant.
Genome position (GRCh38, 1-based): chr9:136,523,076, G>A on the plus strand (C>T on the coding strand, the complement: NOTCH1 is on the minus strand). VCF-style: chr9-136523076-G-A. GRCh37 (hg19) VCF-style: chr9-139417528-G-A.
Identifiers: ClinVar variation 681731 (VCV000681731.8), dbSNP rs377685034, ClinGen allele CA5342138.

ClinVar aggregate classification (germline): Likely benign. Review status: criteria provided, multiple submitters, no conflicts (2 of 4 stars). 4 submissions from 4 submitters: Likely benign (4). Last evaluated 2025-09-23.

Conditions:
Familial thoracic aortic aneurysm and aortic dissection (TAAD). Also called: Thoracic aortic aneurysms and dissections. Identifiers: Orphanet 91387, MedGen C4707243, MONDO:0019625.
Adams-Oliver syndrome 5 (AOS5). Identifiers: Orphanet 974, MedGen C4014970, MONDO:0014459, OMIM 616028.

Allele frequency attached by ClinVar (database versions not stated): gnomAD exomes 0.00001; ExAC 0.00006; gnomAD 0.00007 and 0.00008; ESP Exome Variant Server 0.00008; TOPMed 0.00010.
gnomAD v4.1: 14 of 1,589,546 alleles (0.00088%); highest among the groups gnomAD compares: African/African-American, 0.019%; no homozygotes.

Submissions (4):

Labcorp Genetics (formerly Invitae), Labcorp
Classification: Likely benign for Adams-Oliver syndrome 5. Last evaluated: 2025-09-23. Review status: criteria provided, single submitter. Criteria: Invitae Variant Classification Sherloc (09022015). Collection method: clinical testing. Allele origin: germline.

ARUP Laboratories, Molecular Genetics and Genomics, ARUP Laboratories
Classification: Likely benign. Last evaluated: 2024-11-13. Review status: criteria provided, single submitter. Criteria: ARUP Molecular Germline Variant Investigation Process 2024. Collection method: clinical testing. Allele origin: germline.

Ambry Genetics
Classification: Likely benign for Familial thoracic aortic aneurysm and aortic dissection. Last evaluated: 2022-11-17. Review status: criteria provided, single submitter. Criteria: Ambry Variant Classification Scheme 2023. Collection method: clinical testing. Allele origin: germline.

GeneDx
Classification: Likely benign. Last evaluated: 2018-04-09. Review status: criteria provided, single submitter. Criteria: GeneDx Variant Classification (06012015). Collection method: clinical testing. Allele origin: germline. Affected: yes.
Comment: This variant is considered likely benign or benign based on one or more of the following criteria: it is a conservative change, it occurs at a poorly conserved position in the protein, it is predicted to be benign by multiple in silico algorithms, and/or has population frequency not consistent with disease.